The following is an entry in ClinVar:

ClinVar aggregate classification (germline): Benign/Likely benign. Review status: criteria provided, multiple submitters, no conflicts (2 of 4 stars). 6 submissions from 6 submitters: Benign (1); Likely benign (5). Last evaluated 2025-08-18.

Conditions:
Classic or attenuated familial adenomatous polyposis. Identifiers: MedGen CN372698, MONDO:0021057.
Hereditary cancer-predisposing syndrome. Also called: Neoplastic Syndromes, Hereditary; Hereditary Cancer Syndrome; Tumor predisposition; Hereditary neoplastic syndrome. Identifiers: Orphanet 140162, MedGen C0027672, MeSH D009386, MONDO:0015356.
Familial adenomatous polyposis 1 (FAP1). Also called: POLYPOSIS, ADENOMATOUS INTESTINAL; FAMILIAL ADENOMATOUS POLYPOSIS 1, ATTENUATED. Identifiers: MedGen C2713442, MONDO:0021056, OMIM 175100. Disease mechanism: loss of function.

Allele frequency attached by ClinVar (database versions not stated): gnomAD 0.00001.
gnomAD v4.1: 1 of 1,612,376 alleles (0.000062%); highest among the groups gnomAD compares: Admixed American, 0.0017%; no homozygotes.

Submissions (6):

Labcorp Genetics (formerly Invitae), Labcorp
Classification: Likely benign for Familial adenomatous polyposis 1. Last evaluated: 2025-08-18. Review status: criteria provided, single submitter. Criteria: Invitae Variant Classification Sherloc (09022015). Collection method: clinical testing. Allele origin: germline.

Quest Diagnostics Nichols Institute San Juan Capistrano
Classification: Likely benign. Last evaluated: 2025-07-31. Review status: criteria provided, single submitter. Criteria: Quest Diagnostics criteria. Collection method: clinical testing. Allele origin: unknown.

All of Us Research Program, National Institutes of Health
Classification: Likely benign for Classic or attenuated familial adenomatous polyposis. Last evaluated: 2024-06-09. Review status: criteria provided, single submitter. Criteria: ACMG Guidelines, 2015. Collection method: clinical testing. Allele origin: germline. Inheritance: Autosomal dominant inheritance. Observed: 1 variant allele, 1 heterozygote.
Comment: This study involves interpretation of variants in research participants for the purpose of population health screening. Participant phenotype was not available at the time of variant classification. Additional details can be found in publication PMID: 35346344, PMCID: PMC8962531

Myriad Genetics, Inc.
Classification: Benign for Familial adenomatous polyposis 1. Last evaluated: 2024-02-26. Review status: criteria provided, single submitter. Criteria: Myriad Autosomal Dominant, Autosomal Recessive and X-Linked Classification Criteria (2023). Collection method: clinical testing. Allele origin: unknown.
Comment: This variant is considered benign. This variant is a silent/synonymous amino acid change and it is not expected to impact splicing.

CeGaT Center for Human Genetics Tuebingen
Classification: Likely benign. Last evaluated: 2022-07-01. Review status: criteria provided, single submitter. Criteria: CeGaT Center For Human Genetics Tuebingen Variant Classification Criteria Version 2. Collection method: clinical testing. Allele origin: germline. Affected: yes. Observed: 1 variant allele.
Comment: APC: BP4, BP7

Ambry Genetics
Classification: Likely benign for Hereditary cancer-predisposing syndrome. Last evaluated: 2015-05-15. Review status: criteria provided, single submitter. Criteria: Ambry Variant Classification Scheme 2023. Collection method: clinical testing. Allele origin: germline.

NM_000038.6(APC):c.735A>G (p.Ser245=)

Gene: APC (APC regulator of Wnt signaling pathway; plus strand). Cytogenetic location: 5q22.2.
Variant type: single nucleotide variant.
Coding change: c.735A>G on transcript NM_000038.6 (MANE Select); coding-DNA position 735, A replaced by G.
Protein change: p.Ser245=; no amino-acid change (serine 245 retained).
Molecular consequence: synonymous variant. On other transcripts: 5 prime UTR variant (1).
Genome position (GRCh38, 1-based): chr5:112,801,284, A>G. VCF-style: chr5-112801284-A-G. GRCh37 (hg19) VCF-style: chr5-112136981-A-G.
Other names: c.735A>G, p.Ser245= (NM_001127510.3, NM_001354895.2, NM_001354896.2 and 1 more transcripts); c.681A>G, p.Ser227= (NM_001127511.3); c.765A>G, p.Ser255= (NM_001354897.2, NM_001354902.2); c.660A>G, p.Ser220= (NM_001354898.2, NM_001354904.2); c.651A>G, p.Ser217= (NM_001354899.2); c.558A>G, p.Ser186= (NM_001354900.2, NM_001354901.2, NM_001354905.2); c.-301A>G (NM_001354906.2).
Identifiers: ClinVar variation 231845 (VCV000231845.39), dbSNP rs876659397, ClinGen allele CA10578298.